The following is an entry in ClinVar:

ClinVar aggregate classification (germline): Uncertain significance (1 of 4 stars; one submission).

Conditions:
Intellectual developmental disorder, autosomal dominant 56. Also called: MENTAL RETARDATION, AUTOSOMAL DOMINANT 56; Intellectual disability, autosomal dominant 56. Identifiers: MedGen C4693389, MONDO:0030922, OMIM 617854.

Submission:

Institute of Immunology and Genetics Kaiserslautern
Classification: Uncertain significance for Intellectual developmental disorder, autosomal dominant 56. Last evaluated: 2026-01-13. Review status: criteria provided, single submitter. Criteria: ACMG Guidelines, 2015. Collection method: clinical testing. Allele origin: germline. Affected: yes.
Comment: ACMG Criteria: PM2_P; Variant was found in heterozygous state.

NM_004859.4(CLTC):c.1706C>A (p.Ala569Asp)

Gene: CLTC (clathrin heavy chain; plus strand). Cytogenetic location: 17q23.1.
Variant type: single nucleotide variant.
Coding change: c.1706C>A on transcript NM_004859.4 (MANE Select); coding-DNA position 1706, C replaced by A.
Protein change: p.Ala569Asp; replaces alanine 569 with aspartic acid.
Molecular consequence: missense variant.
Genome position (GRCh38, 1-based): chr17:59,666,164, C>A. VCF-style: chr17-59666164-C-A. GRCh37 (hg19) VCF-style: chr17-57743525-C-A.
Other names: c.1718C>A, p.Ala573Asp (NM_001288653.2); short protein forms A569D, A573D.
Identifiers: ClinVar variation 4851462 (VCV004851462.1).